The following is an entry in ClinVar:

ClinVar aggregate classification (germline): Uncertain significance (1 of 4 stars; one submission).

Conditions:
Epilepsy, familial focal, with variable foci 3 (FFEVF3). Identifiers: MedGen C4310708, MONDO:0014925, OMIM 617118.

Allele frequency attached by ClinVar (database versions not stated): gnomAD exomes below 0.00001 and 0.00001; gnomAD 0.00001; ExAC 0.00004; TOPMed 0.00004.
gnomAD v4.1: 8 of 1,564,648 alleles (0.00051%); highest among the groups gnomAD compares: African/African-American, 0.0027%; no homozygotes.

Submission:

Labcorp Genetics (formerly Invitae), Labcorp
Classification: Uncertain significance for Epilepsy, familial focal, with variable foci 3. Last evaluated: 2022-10-14. Review status: criteria provided, single submitter. Criteria: Invitae Variant Classification Sherloc (09022015). Collection method: clinical testing. Allele origin: germline.
Comment: In summary, the available evidence is currently insufficient to determine the role of this variant in disease. Therefore, it has been classified as a Variant of Uncertain Significance. Experimental studies and prediction algorithms are not available or were not evaluated, and the functional significance of this variant is currently unknown. ClinVar contains an entry for this variant (Variation ID: 1043984). This variant has not been reported in the literature in individuals affected with NPRL3-related conditions. The frequency data for this variant in the population databases is considered unreliable, as metrics indicate poor data quality at this position in the gnomAD database. This sequence change replaces valine, which is neutral and non-polar, with isoleucine, which is neutral and non-polar, at codon 563 of the NPRL3 protein (p.Val563Ile).

NM_001077350.3(NPRL3):c.1687G>A (p.Val563Ile)

Gene: NPRL3 (NPR3 like, GATOR1 complex subunit; minus strand). Cytogenetic location: 16p13.3.
Variant type: single nucleotide variant.
Coding change: c.1687G>A on transcript NM_001077350.3 (MANE Select); coding-DNA position 1687, G replaced by A.
Protein change: p.Val563Ile; replaces valine 563 with isoleucine.
Molecular consequence: missense variant.
Genome position (GRCh38, 1-based): chr16:86,728, C>T on the plus strand (G>A on the coding strand, the complement: NPRL3 is on the minus strand). VCF-style: chr16-86728-C-T. GRCh37 (hg19) VCF-style: chr16-136727-C-T.
Other names: c.1150G>A, p.Val384Ile (NM_001039476.3); c.1453G>A, p.Val485Ile (NM_001243247.2); c.1612G>A, p.Val538Ile (NM_001243248.2, NM_001243249.2); short protein forms V384I, V538I, V485I, V563I.
Identifiers: ClinVar variation 1043984 (VCV001043984.7), dbSNP rs764756422, ClinGen allele CA7769244.